The following is an entry in ClinVar:

ClinVar aggregate classification (germline): Uncertain significance (1 of 4 stars; one submission).

gnomAD v4.1: 4 of 1,614,098 alleles (0.00025%); highest among the groups gnomAD compares: South Asian, 0.0044%; no homozygotes.

Submission:

CeGaT Center for Human Genetics Tuebingen
Classification: Uncertain significance. Last evaluated: 2025-11-01. Review status: criteria provided, single submitter. Criteria: CeGaT Center For Human Genetics Tuebingen Variant Classification Criteria Version 2. Collection method: clinical testing. Allele origin: germline. Affected: yes. Observed: 1 variant allele.
Comment: ALPK1: PM2

NM_025144.4(ALPK1):c.176G>A (p.Trp59Ter)

Gene: ALPK1 (alpha kinase 1; plus strand). Cytogenetic location: 4q25.
Variant type: single nucleotide variant.
Coding change: c.176G>A on transcript NM_025144.4 (MANE Select); coding-DNA position 176, G replaced by A.
Protein change: p.Trp59Ter; replaces tryptophan 59 with a stop codon.
Molecular consequence: nonsense. On other transcripts: intron variant (1).
Genome position (GRCh38, 1-based): chr4:112,382,452, G>A. VCF-style: chr4-112382452-G-A. GRCh37 (hg19) VCF-style: chr4-113303608-G-A.
Other names: c.176G>A, p.Trp59Ter (NM_001102406.2); c.42+4554G>A (NM_001253884.2); short protein forms W59*.
Identifiers: ClinVar variation 4534362 (VCV004534362.6).
Genomic context (GRCh38, chr4:112,382,452, plus strand): 5'-TTTCAGCTTTACTCCCCAGCGAGTTAAGGACCCTGATCCAGGAGGCAAAGGAAATGAAGT[G>A]GCCCTTCGTGCCTGAAAAGTGGCAGTACAAACAAGCCGTGGGCCCAGAGGACAAAACAAA-3'